The following is an entry in ClinVar:

ClinVar aggregate classification (germline): Likely benign (0 of 4 stars; one submission).

Conditions:
VARS2-related disorder. Also called: VARS2-related disorders; VARS2-related condition.

Allele frequency attached by ClinVar (database versions not stated): gnomAD exomes 0.00001; TOPMed 0.00007; ExAC 0.00008; gnomAD 0.00008.
gnomAD v4.1: 23 of 1,566,390 alleles (0.0015%); highest among the groups gnomAD compares: African/African-American, 0.026%; no homozygotes.

Submission:

PreventionGenetics, part of Exact Sciences
Classification: Likely benign for VARS2-related condition. Last evaluated: 2019-08-20. Review status: no assertion criteria provided. Collection method: clinical testing. Allele origin: germline.
Comment: This variant is classified as likely benign based on ACMG/AMP sequence variant interpretation guidelines (Richards et al. 2015 PMID: 25741868, with internal and published modifications).

NM_020442.6(VARS2):c.936G>A (p.Val312=)

Gene: VARS2 (valyl-tRNA synthetase 2, mitochondrial; plus strand). Cytogenetic location: 6p21.33.
Variant type: single nucleotide variant.
Coding change: c.936G>A on transcript NM_020442.6 (MANE Select); coding-DNA position 936, G replaced by A.
Protein change: p.Val312=; no amino-acid change (valine 312 retained).
Molecular consequence: synonymous variant.
Genome position (GRCh38, 1-based): chr6:30,917,757, G>A. VCF-style: chr6-30917757-G-A. GRCh37 (hg19) VCF-style: chr6-30885534-G-A.
Other names: c.516G>A, p.Val172= (NM_001167733.3); c.1026G>A, p.Val342= (NM_001167734.2).
Identifiers: ClinVar variation 3053217 (VCV003053217.2), dbSNP rs200908750, ClinGen allele CA3705765.